The following is an entry in ClinVar:

NC_000023.10:g.(?_22050695)_(22132724_?)del

Gene: PHEX (phosphate regulating endopeptidase X-linked; plus strand). Cytogenetic location: Xp22.11.
Variant type: Deletion.
Identifiers: ClinVar variation 2423104 (VCV002423104.4).

ClinVar aggregate classification (germline): Pathogenic (1 of 4 stars; one submission).

Submission:

Labcorp Genetics (formerly Invitae), Labcorp
Classification: Pathogenic. Last evaluated: 2022-08-09. Review status: criteria provided, single submitter. Criteria: Invitae Variant Classification Sherloc (09022015). Collection method: clinical testing. Allele origin: germline.
Comment: For these reasons, this variant has been classified as Pathogenic. A similar copy number variant has been observed in individual(s) with X-linked hypophosphatemia (PMID: 29259966). This variant is a gross deletion of the genomic region encompassing exon(s) 1-11 of the PHEX gene, which includes the initiator codon. This deletion extends beyond the assayed region for this gene and therefore may encompass additional genes. It is expected to result in an absent or disrupted protein product. Loss-of-function variants in PHEX are known to be pathogenic (PMID: 9097956, 9106524, 19219621).

Literature cited by the submitters: PubMed 29259966; PubMed 9097956; PubMed 9106524; PubMed 19219621.